The following is an entry in ClinVar:

NC_000009.11:g.(14155893_14179725)_(14314141_?)del

Gene: NFIB (nuclear factor I B; minus strand). Cytogenetic location: 9p23-22.3.
Variant type: Deletion.
Identifiers: ClinVar variation 4887653 (VCV004887653.1).

ClinVar aggregate classification (germline): Pathogenic (1 of 4 stars; one submission).

Conditions:
Macrocephaly, acquired, with impaired intellectual development. Also called: MACROCEPHALY, ACQUIRED, WITH MENTAL RETARDATION. Identifiers: MedGen C4748993, MONDO:0032658, OMIM 618286.

Submission:

Women's Health and Genetics/Laboratory Corporation of America, LabCorp
Classification: Pathogenic for Macrocephaly, acquired, with impaired intellectual development. Last evaluated: 2026-06-26. Review status: criteria provided, single submitter. Criteria: LabCorp Variant Classification Summary - May 2015. Collection method: clinical testing. Allele origin: germline.
Comment: Variant summary: The variant involves the deletion of exons 1-3 in the NFIB gene. A presumed nomenclature of c.(?_-631)_(616+1_617-1)del has been designated for the purposes of this classification. The exact breakpoint at the 5' end of this variant is unknown, therefore this deletion may extend upstream of the annotated region of this gene. Although the exact breakpoints of this deletion are not known, it is predicted to remove the initiation codon and result in an absence of protein or a truncation of the encoded protein due to translation initiation at a downstream site. Loss-of-function variants in this gene are known to be pathogenic. The variant was absent in 21688 control chromosomes. To our knowledge, no occurrence of c.(?_-631)_(616+1_617-1)del in individuals affected with NFIB-related conditions and no experimental evidence demonstrating its impact on protein function have been reported. No submitters have cited clinical-significance assessments for this variant to ClinVar. Based on the evidence outlined above, the variant was classified as pathogenic.